The following is an entry in ClinVar:

ClinVar aggregate classification (germline): Likely pathogenic (1 of 4 stars; one submission).

Conditions:
Capillary malformation-arteriovenous malformation 2 (CMAVM2). Identifiers: Orphanet 693912, MedGen C4748670, MONDO:0020785, OMIM 618196.

Submission:

Foundation for Research in Genetics and Endocrinology, FRIGE's Institute of Human Genetics
Classification: Likely pathogenic for Capillary malformation-arteriovenous malformation 2. Last evaluated: 2023-09-09. Review status: criteria provided, single submitter. Criteria: ACMG Guidelines, 2015. Collection method: clinical testing. Allele origin: germline. Inheritance: Autosomal dominant inheritance. Affected: yes. Observed: 1 heterozygote.
Comment: The identified heterozygous duplication (c.732dupG) lies in exon 4 of the EPHB4 gene and is predicted to cause a frameshift and consequent premature termination of the protein (p.Trp245ValfsTer19). This variant has not been observed in the 1000 genomes databases. Truncating variants, such as p.Arg365Ter and p.Gly375Ter, lying downstream of the identified variant, have been reported as 'pathogenic' in the ClinVar database with respect to CMAVM2. The identified variant is predicted to produce a truncated protein, which might result in loss-of-function. In summary, the variant meets our criteria to be classified as likely pathogenic.

NM_004444.5(EPHB4):c.732dup (p.Trp245fs)

Gene: EPHB4 (EPH receptor B4; minus strand). Cytogenetic location: 7q22.1.
Variant type: Duplication.
Coding change: c.732dup on transcript NM_004444.5 (MANE Select); coding-DNA position 732, one base duplicated (G; older notation c.732dupG).
Protein change: p.Trp245fs; shifts the reading frame from tryptophan 245.
Molecular consequence: frameshift variant.
Genome position (GRCh38, 1-based): chr7:100,822,347, C duplicated on the plus strand (G on the coding strand, the reverse complement: EPHB4 is on the minus strand). VCF-style (leftmost placement, unchanged base first): chr7-100822346-A-AC. GRCh37 (hg19) VCF-style: chr7-100419968-A-AC.
Other names: p.Trp245ValfsTer19; c.732dupG (NM_004444.5); short protein forms W245fs.
Identifiers: ClinVar variation 2579685 (VCV002579685.2), dbSNP rs2485044899, ClinGen allele CA2580617887.